The following is an entry in ClinVar:

ClinVar aggregate classification (germline): Uncertain significance. Review status: criteria provided, multiple submitters, no conflicts (2 of 4 stars). 2 submissions from 2 submitters: Uncertain significance (2). Last evaluated 2024-11-23.

Conditions:
Inborn genetic diseases. Identifiers: MedGen C0950123, MeSH D030342.
Fanconi anemia (FA). Also called: Fanconi's anemia. Identifiers: Orphanet 84, MedGen C0015625, MeSH D005199, MONDO:0019391.

Allele frequency attached by ClinVar (database versions not stated): ExAC 0.00001.

Submissions (2):

Ambry Genetics
Classification: Uncertain significance for Inborn genetic diseases. Last evaluated: 2024-11-23. Review status: criteria provided, single submitter. Criteria: Ambry Variant Classification Scheme 2023. Collection method: clinical testing. Allele origin: germline.
Comment: The p.Q1236E variant (also known as c.3706C>G), located in coding exon 37 of the FANCA gene, results from a C to G substitution at nucleotide position 3706. The glutamine at codon 1236 is replaced by glutamic acid, an amino acid with highly similar properties. This amino acid position is conserved. In addition, this alteration is predicted to be tolerated by in silico analysis. Based on the available evidence, the clinical significance of this variant remains unclear.

Labcorp Genetics (formerly Invitae), Labcorp
Classification: Uncertain significance for Fanconi anemia. Last evaluated: 2022-08-09. Review status: criteria provided, single submitter. Criteria: Invitae Variant Classification Sherloc (09022015). Collection method: clinical testing. Allele origin: germline.
Comment: This variant has not been reported in the literature in individuals affected with FANCA-related conditions. This variant is present in population databases (rs761902950, gnomAD 0.006%). This sequence change replaces glutamine, which is neutral and polar, with glutamic acid, which is acidic and polar, at codon 1236 of the FANCA protein (p.Gln1236Glu). Advanced modeling of protein sequence and biophysical properties (such as structural, functional, and spatial information, amino acid conservation, physicochemical variation, residue mobility, and thermodynamic stability) performed at Invitae indicates that this missense variant is not expected to disrupt FANCA protein function. In summary, the available evidence is currently insufficient to determine the role of this variant in disease. Therefore, it has been classified as a Variant of Uncertain Significance. Algorithms developed to predict the effect of sequence changes on RNA splicing suggest that this variant may create or strengthen a splice site.

NM_000135.4(FANCA):c.3706C>G (p.Gln1236Glu)

Gene: FANCA (FA complementation group A; minus strand). Cytogenetic location: 16q24.3.
Variant type: single nucleotide variant.
Coding change: c.3706C>G on transcript NM_000135.4 (MANE Select); coding-DNA position 3706, C replaced by G.
Protein change: p.Gln1236Glu; replaces glutamine 1236 with glutamic acid.
Molecular consequence: missense variant.
Genome position (GRCh38, 1-based): chr16:89,742,859, G>C on the plus strand (C>G on the coding strand, the complement: FANCA is on the minus strand). VCF-style: chr16-89742859-G-C. GRCh37 (hg19) VCF-style: chr16-89809267-G-C.
Other names: c.3706C>G, p.Gln1236Glu (NM_001286167.3); short protein forms Q1236E.
Identifiers: ClinVar variation 2086482 (VCV002086482.5), dbSNP rs761902950, ClinGen allele CA8251014.